The following is an entry in ClinVar:

NM_000059.4(BRCA2):c.741C>T (p.Ile247=)

Gene: BRCA2 (BRCA2 DNA repair associated; plus strand). Cytogenetic location: 13q13.1.
Variant type: single nucleotide variant.
Coding change: c.741C>T on transcript NM_000059.4 (MANE Select); coding-DNA position 741, C replaced by T.
Protein change: p.Ile247=; no amino-acid change (isoleucine 247 retained).
Molecular consequence: synonymous variant.
Genome position (GRCh38, 1-based): chr13:32,330,978, C>T. VCF-style: chr13-32330978-C-T. GRCh37 (hg19) VCF-style: chr13-32905115-C-T.
Other names: 969C>T.
Identifiers: ClinVar variation 52324 (VCV000052324.26), dbSNP rs276174892, ClinGen allele CA025074.

ClinVar aggregate classification (germline): Likely benign. Review status: reviewed by expert panel (3 of 4 stars). 9 submissions from 9 submitters: Likely benign (1). 8 of the submissions do not count toward it. Last evaluated 2017-06-29.

Conditions:
Breast and/or ovarian cancer. Identifiers: MedGen CN221562.
Hereditary breast ovarian cancer syndrome. Also called: Hereditary breast and ovarian cancer syndrome; Hereditary breast and ovarian cancer; Hereditary breast and ovarian cancer syndrome (HBOC); Breast and ovarian cancer; Hereditary breast and/or ovarian cancer syndrome; BRCA1- and BRCA2-Associated Hereditary Breast and Ovarian Cancer. Identifiers: Orphanet 145, MedGen C0677776, MeSH D061325, MONDO:0003582. Disease mechanism: loss of function.
Hereditary cancer-predisposing syndrome. Also called: Neoplastic Syndromes, Hereditary; Tumor predisposition; Hereditary neoplastic syndrome; Hereditary Cancer Syndrome. Identifiers: Orphanet 140162, MedGen C0027672, MeSH D009386, MONDO:0015356.
Breast-ovarian cancer, familial, susceptibility to, 2 (BROVCA2). Also called: BRCA2 Hereditary Breast and Ovarian Cancer. Identifiers: Orphanet 145, MedGen C2675520, MONDO:0012933, OMIM 612555. Disease mechanism: loss of function.

Allele frequency attached by ClinVar (database versions not stated): gnomAD exomes below 0.00001.
gnomAD v4.1: 1 of 1,613,646 alleles (0.000062%); highest among the groups gnomAD compares: Non-Finnish European, 0.000085%; no homozygotes.

Submissions (9):

Evidence-based Network for the Interpretation of Germline Mutant Alleles (ENIGMA)
Classification: Likely benign for Breast-ovarian cancer, familial, susceptibility to, 2. Last evaluated: 2017-06-29. Review status: reviewed by expert panel. Criteria: ENIGMA BRCA1/2 Classification Criteria (2017-06-29). Collection method: curation. Allele origin: germline.
Comment: Synonymous substitution variant, with low bioinformatic likelihood to result in a splicing aberration (Splicing prior probability 0.02).

Labcorp Genetics (formerly Invitae), Labcorp
Classification: Likely benign for Hereditary breast ovarian cancer syndrome. Last evaluated: 2025-09-03. Review status: criteria provided, single submitter. Criteria: Invitae Variant Classification Sherloc (09022015). Collection method: clinical testing. Allele origin: germline. Not counted in ClinVar's aggregate classification.

All of Us Research Program, National Institutes of Health
Classification: Likely benign for Breast-ovarian cancer, familial, susceptibility to, 2. Last evaluated: 2023-11-20. Review status: criteria provided, single submitter. Criteria: ACMG Guidelines, 2015. Collection method: clinical testing. Allele origin: germline. Inheritance: Autosomal dominant inheritance. Observed: 1 variant allele, 1 heterozygote. Not counted in ClinVar's aggregate classification.
Comment: This study involves interpretation of variants in research participants for the purpose of population health screening. Participant phenotype was not available at the time of variant classification. Additional details can be found in publication PMID: 35346344, PMCID: PMC8962531

CHEO Genetics Diagnostic Laboratory, Children's Hospital of Eastern Ontario
Classification: Likely benign for Breast and/or ovarian cancer. Last evaluated: 2020-04-30. Review status: criteria provided, single submitter. Criteria: ACMG Guidelines, 2015. Collection method: clinical testing. Allele origin: germline. Not counted in ClinVar's aggregate classification.

Genetic Services Laboratory, University of Chicago
Classification: Likely benign. Last evaluated: 2018-09-20. Review status: criteria provided, single submitter. Criteria: ACMG Guidelines, 2015. Collection method: clinical testing. Allele origin: germline. Affected: no. Not counted in ClinVar's aggregate classification.

Color Diagnostics, LLC DBA Color Health
Classification: Likely benign for Hereditary cancer-predisposing syndrome. Last evaluated: 2017-11-09. Review status: criteria provided, single submitter. Criteria: ACMG Guidelines, 2015. Collection method: clinical testing. Allele origin: germline. Not counted in ClinVar's aggregate classification.

Ambry Genetics
Classification: Likely benign for Hereditary cancer-predisposing syndrome. Last evaluated: 2015-09-24. Review status: criteria provided, single submitter. Criteria: Ambry Variant Classification Scheme 2023. Collection method: clinical testing. Allele origin: germline. Not counted in ClinVar's aggregate classification.

GeneDx
Classification: Benign. Last evaluated: 2015-07-23. Review status: criteria provided, single submitter. Criteria: GeneDx Variant Classification Process June 2021. Collection method: clinical testing. Allele origin: germline. Affected: yes. Not counted in ClinVar's aggregate classification.

Breast Cancer Information Core (BIC) (BRCA2)
Classification: Benign for Breast-ovarian cancer, familial 2. Last evaluated: 2010-10-28. Review status: no assertion criteria provided. Collection method: clinical testing. Allele origin: germline. Affected: yes. Observed: 1 variant allele. Not counted in ClinVar's aggregate classification.

Literature cited by the submitters: PubMed 20927582 (cited by Ambry Genetics); PubMed 22977638 (cited by Ambry Genetics).